The following is an entry in ClinVar:

NM_152564.5(VPS13B):c.8994+1G>A

Gene: VPS13B (vacuolar protein sorting 13 homolog B; plus strand). Cytogenetic location: 8q22.2.
Variant type: single nucleotide variant.
Coding change: c.8994+1G>A on transcript NM_152564.5 (MANE Select); the canonical splice donor site of the intron after coding-DNA position 8994, G replaced by A.
Molecular consequence: splice donor variant.
Genome position (GRCh38, 1-based): chr8:99,820,123, G>A. VCF-style: chr8-99820123-G-A. GRCh37 (hg19) VCF-style: chr8-100832351-G-A.
Other names: c.9069+1G>A (NM_017890.5).
Identifiers: ClinVar variation 4526369 (VCV004526369.1).

ClinVar aggregate classification (germline): Pathogenic (1 of 4 stars; one submission).

Submission:

Centre of Medical Genetics, University Hospital Muenster
Classification: Pathogenic. Last evaluated: 2025-08-14. Review status: criteria provided, single submitter. Criteria: ACMG Guidelines, 2015. Collection method: clinical testing. Allele origin: unknown. Affected: yes. Observed: 1 variant allele, 1 heterozygote.
Comment: ACMG categories: PVS1,PM2_sup,PM3